The following is an entry in ClinVar:

NM_000327.4(ROM1):c.376C>T (p.Pro126Ser)

Gene: ROM1 (retinal outer segment membrane protein 1; plus strand). Cytogenetic location: 11q12.3.
Variant type: single nucleotide variant.
Coding change: c.376C>T on transcript NM_000327.4 (MANE Select); coding-DNA position 376, C replaced by T.
Protein change: p.Pro126Ser; replaces proline 126 with serine.
Molecular consequence: missense variant.
Genome position (GRCh38, 1-based): chr11:62,613,657, C>T. VCF-style: chr11-62613657-C-T. GRCh37 (hg19) VCF-style: chr11-62381129-C-T.
Other names: c.376C>T (NM_000327.3); short protein forms P126S.
Identifiers: ClinVar variation 3005940 (VCV003005940.4), dbSNP rs759121458, ClinGen allele CA6049727.

ClinVar aggregate classification (germline): Uncertain significance. Review status: criteria provided, multiple submitters, no conflicts (2 of 4 stars). 2 submissions from 2 submitters: Uncertain significance (2). Last evaluated 2025-06-18.

Allele frequency attached by ClinVar (database versions not stated): ExAC 0.00001; TOPMed 0.00001; gnomAD exomes below 0.00001.

Submissions (2):

Ambry Genetics
Classification: Uncertain significance. Last evaluated: 2025-06-18. Review status: criteria provided, single submitter. Criteria: Ambry Variant Classification Scheme 2023. Collection method: clinical testing. Allele origin: germline.

Labcorp Genetics (formerly Invitae), Labcorp
Classification: Uncertain significance. Last evaluated: 2025-03-26. Review status: criteria provided, single submitter. Criteria: Invitae Variant Classification Sherloc (09022015). Collection method: clinical testing. Allele origin: germline.
Comment: This sequence change replaces proline, which is neutral and non-polar, with serine, which is neutral and polar, at codon 126 of the ROM1 protein (p.Pro126Ser). This variant is present in population databases (rs759121458, gnomAD 0.01%). This variant has not been reported in the literature in individuals affected with ROM1-related conditions. ClinVar contains an entry for this variant (Variation ID: 3005940). Invitae Evidence Modeling of protein sequence and biophysical properties (such as structural, functional, and spatial information, amino acid conservation, physicochemical variation, residue mobility, and thermodynamic stability) indicates that this missense variant is not expected to disrupt ROM1 protein function with a negative predictive value of 80%. In summary, the available evidence is currently insufficient to determine the role of this variant in disease. Therefore, it has been classified as a Variant of Uncertain Significance.